The following is an entry in ClinVar:

ClinVar aggregate classification (germline): Uncertain significance (1 of 4 stars; one submission).

gnomAD v4.1: 1 of 1,211,432 alleles (0.000083%); highest among the groups gnomAD compares: Admixed American, 0.0022%; no homozygotes.

Submission:

GeneDx
Classification: Uncertain significance. Last evaluated: 2026-02-11. Review status: criteria provided, single submitter. Criteria: GeneDx Variant Classification Process June 2021. Collection method: clinical testing. Allele origin: germline.
Comment: In silico analysis suggests that this missense variant does not alter protein structure/function; Not observed at significant frequency in large population cohorts (gnomAD); This variant is associated with the following publications: (PMID: 37865086)

NM_001271696.3(ABCB7):c.733C>G (p.Gln245Glu)

Gene: ABCB7 (ATP binding cassette subfamily B member 7; minus strand). Cytogenetic location: Xq13.3.
Variant type: single nucleotide variant.
Coding change: c.733C>G on transcript NM_001271696.3 (MANE Select); coding-DNA position 733, C replaced by G.
Protein change: p.Gln245Glu; replaces glutamine 245 with glutamic acid.
Molecular consequence: missense variant.
Genome position (GRCh38, 1-based): chrX:75,075,484, G>C on the plus strand (C>G on the coding strand, the complement: ABCB7 is on the minus strand). VCF-style: chrX-75075484-G-C. GRCh37 (hg19) VCF-style: chrX-74295319-G-C.
Other names: c.613C>G, p.Gln205Glu (NM_001271697.3); c.655C>G, p.Gln219Glu (NM_001271698.3); c.616C>G, p.Gln206Glu (NM_001271699.3); c.736C>G, p.Gln246Glu (NM_004299.6); short protein forms Q205E, Q206E, Q219E, Q245E, Q246E.
Identifiers: ClinVar variation 4891490 (VCV004891490.1).